The following is an entry in ClinVar:

NM_001330260.2(SCN8A):c.1136C>T (p.Thr379Ile)

Gene: SCN8A (sodium voltage-gated channel alpha subunit 8; plus strand). Cytogenetic location: 12q13.13.
Variant type: single nucleotide variant.
Coding change: c.1136C>T on transcript NM_001330260.2 (MANE Select); coding-DNA position 1136, C replaced by T.
Protein change: p.Thr379Ile; replaces threonine 379 with isoleucine.
Molecular consequence: missense variant.
Genome position (GRCh38, 1-based): chr12:51,705,418, C>T. VCF-style: chr12-51705418-C-T. GRCh37 (hg19) VCF-style: chr12-52099202-C-T.
Other names: c.1136C>T, p.Thr379Ile (NM_001177984.3, NM_001369788.1, NM_014191.4); short protein forms T379I.
Identifiers: ClinVar variation 1379952 (VCV001379952.9), dbSNP rs761124273, ClinGen allele CA6571224.

ClinVar aggregate classification (germline): Uncertain significance (1 of 4 stars; one submission).

Conditions:
Early-infantile DEE. Also called: Ohtahara syndrome; Early infantile epileptic encephalopathy; Early infantile epileptic encephalopathy with suppression bursts. Identifiers: Orphanet 1934, MedGen C0393706, MONDO:0800491.

Allele frequency attached by ClinVar (database versions not stated): gnomAD exomes below 0.00001; ExAC 0.00001; gnomAD 0.00002; TOPMed 0.00002.
gnomAD v4.1: 5 of 1,613,662 alleles (0.00031%); highest among the groups gnomAD compares: African/African-American, 0.0053%; no homozygotes.

Submission:

Labcorp Genetics (formerly Invitae), Labcorp
Classification: Uncertain significance for Early-infantile DEE. Last evaluated: 2023-10-18. Review status: criteria provided, single submitter. Criteria: Invitae Variant Classification Sherloc (09022015). Collection method: clinical testing. Allele origin: germline.
Comment: This sequence change replaces threonine, which is neutral and polar, with isoleucine, which is neutral and non-polar, at codon 379 of the SCN8A protein (p.Thr379Ile). This variant is present in population databases (rs761124273, gnomAD 0.007%). This variant has not been reported in the literature in individuals affected with SCN8A-related conditions. ClinVar contains an entry for this variant (Variation ID: 1379952). An algorithm developed to predict the effect of missense changes on protein structure and function (PolyPhen-2) suggests that this variant is likely to be disruptive. In summary, the available evidence is currently insufficient to determine the role of this variant in disease. Therefore, it has been classified as a Variant of Uncertain Significance.